The following is an entry in ClinVar:

NM_020166.5(MCCC1):c.1481A>T (p.Lys494Ile)

Gene: MCCC1 (methylcrotonyl-CoA carboxylase subunit 1; minus strand). Cytogenetic location: 3q27.1.
Variant type: single nucleotide variant.
Coding change: c.1481A>T on transcript NM_020166.5 (MANE Select); coding-DNA position 1481, A replaced by T.
Protein change: p.Lys494Ile; replaces lysine 494 with isoleucine.
Molecular consequence: missense variant. On other transcripts: non-coding transcript variant (1).
Genome position (GRCh38, 1-based): chr3:183,037,331, T>A on the plus strand (A>T on the coding strand, the complement: MCCC1 is on the minus strand). VCF-style: chr3-183037331-T-A. GRCh37 (hg19) VCF-style: chr3-182755119-T-A.
Other names: c.1130A>T, p.Lys377Ile (NM_001293273.2); c.1154A>T, p.Lys385Ile (NM_001363880.1); short protein forms K377I, K494I, K385I.
Identifiers: ClinVar variation 2813066 (VCV002813066.3), dbSNP rs2530128712, ClinGen allele CA355320560.

ClinVar aggregate classification (germline): Uncertain significance (1 of 4 stars; one submission).

Conditions:
3-methylcrotonyl-CoA carboxylase 1 deficiency (MCC1D). Also called: MCCD TYPE 1; METHYLCROTONYLGLYCINURIA TYPE I; MCC 1 deficiency; 3 Alpha methylcrotonylglycinuria 1. Identifiers: Orphanet 6, MedGen CN028786, MONDO:0008861, OMIM 210200.

Submission:

Labcorp Genetics (formerly Invitae), Labcorp
Classification: Uncertain significance for 3-methylcrotonyl-CoA carboxylase 1 deficiency. Last evaluated: 2023-09-09. Review status: criteria provided, single submitter. Criteria: Invitae Variant Classification Sherloc (09022015). Collection method: clinical testing. Allele origin: germline.
Comment: In summary, the available evidence is currently insufficient to determine the role of this variant in disease. Therefore, it has been classified as a Variant of Uncertain Significance. Advanced modeling of protein sequence and biophysical properties (such as structural, functional, and spatial information, amino acid conservation, physicochemical variation, residue mobility, and thermodynamic stability) performed at Invitae indicates that this missense variant is not expected to disrupt MCCC1 protein function. This variant has not been reported in the literature in individuals affected with MCCC1-related conditions. This variant is not present in population databases (gnomAD no frequency). This sequence change replaces lysine, which is basic and polar, with isoleucine, which is neutral and non-polar, at codon 494 of the MCCC1 protein (p.Lys494Ile).